The following is an entry in ClinVar:

NM_001853.4(COL9A3):c.1323+3G>A

Gene: COL9A3 (collagen type IX alpha 3 chain; plus strand). Cytogenetic location: 20q13.33.
Variant type: single nucleotide variant.
Coding change: c.1323+3G>A on transcript NM_001853.4 (MANE Select); 3 bases into the intron after coding-DNA position 1323, G replaced by A.
Molecular consequence: intron variant.
Genome position (GRCh38, 1-based): chr20:62,832,192, G>A. VCF-style: chr20-62832192-G-A. GRCh37 (hg19) VCF-style: chr20-61463544-G-A.
Identifiers: ClinVar variation 1522780 (VCV001522780.6), dbSNP rs1197781245, ClinGen allele CA746384318.

ClinVar aggregate classification (germline): Uncertain significance (1 of 4 stars; one submission).

Allele frequency attached by ClinVar (database versions not stated): gnomAD exomes below 0.00001; gnomAD 0.00001; TOPMed 0.00003.
gnomAD v4.1: 8 of 1,612,716 alleles (0.0005%); highest among the groups gnomAD compares: Admixed American, 0.0017%; no homozygotes.

Submission:

Labcorp Genetics (formerly Invitae), Labcorp
Classification: Uncertain significance. Last evaluated: 2025-02-24. Review status: criteria provided, single submitter. Criteria: Invitae Variant Classification Sherloc (09022015). Collection method: clinical testing. Allele origin: germline.
Comment: This sequence change falls in intron 25 of the COL9A3 gene. It does not directly change the encoded amino acid sequence of the COL9A3 protein. It affects a nucleotide within the consensus splice site. This variant is not present in population databases (gnomAD no frequency). This variant has not been reported in the literature in individuals affected with COL9A3-related conditions. ClinVar contains an entry for this variant (Variation ID: 1522780). Variants that disrupt the consensus splice site are a relatively common cause of aberrant splicing (PMID: 17576681, 9536098). Algorithms developed to predict the effect of sequence changes on RNA splicing suggest that this variant is not likely to affect RNA splicing. In summary, the available evidence is currently insufficient to determine the role of this variant in disease. Therefore, it has been classified as a Variant of Uncertain Significance.

Literature cited by the submitters: PubMed 17576681; PubMed 9536098.